The following is an entry in ClinVar:

ClinVar aggregate classification (germline): Likely benign. Review status: criteria provided, multiple submitters, no conflicts (2 of 4 stars). 2 submissions from 2 submitters: Likely benign (2). Last evaluated 2024-02-01.

Conditions:
Methylmalonic acidemia with homocystinuria, type cblX (MAHCX). Also called: INTELLECTUAL DEVELOPMENTAL DISORDER, X-LINKED 3. Identifiers: Orphanet 369962, MedGen C0796208, MONDO:0010657, OMIM 309541.

Allele frequency attached by ClinVar (database versions not stated): gnomAD exomes below 0.00001; TOPMed below 0.00001; ExAC 0.00001.
gnomAD v4.1: 3 of 1,194,898 alleles (0.00025%); highest among the groups gnomAD compares: Non-Finnish European, 0.00034%; no homozygotes.

Submissions (2):

CeGaT Center for Human Genetics Tuebingen
Classification: Likely benign. Last evaluated: 2024-02-01. Review status: criteria provided, single submitter. Criteria: CeGaT Center For Human Genetics Tuebingen Variant Classification Criteria Version 2. Collection method: clinical testing. Allele origin: germline. Affected: yes. Observed: 1 variant allele.
Comment: HCFC1: BP4, BP7

Labcorp Genetics (formerly Invitae), Labcorp
Classification: Likely benign for Methylmalonic acidemia with homocystinuria, type cblX. Last evaluated: 2023-02-25. Review status: criteria provided, single submitter. Criteria: Invitae Variant Classification Sherloc (09022015). Collection method: clinical testing. Allele origin: germline.

NM_005334.3(HCFC1):c.5229T>C (p.Thr1743=)

Gene: HCFC1 (host cell factor C1; minus strand). Cytogenetic location: Xq28.
Variant type: single nucleotide variant.
Coding change: c.5229T>C on transcript NM_005334.3 (MANE Select); coding-DNA position 5229, T replaced by C.
Protein change: p.Thr1743=; no amino-acid change (threonine 1743 retained).
Molecular consequence: synonymous variant.
Genome position (GRCh38, 1-based): chrX:153,951,872, A>G on the plus strand (T>C on the coding strand, the complement: HCFC1 is on the minus strand). VCF-style: chrX-153951872-A-G. GRCh37 (hg19) VCF-style: chrX-153217323-A-G.
Other names: c.5364T>C, p.Thr1788= (NM_001410705.1).
Identifiers: ClinVar variation 2033342 (VCV002033342.26), dbSNP rs781840949, ClinGen allele CA10556848.